The following is an entry in ClinVar:

ClinVar aggregate classification (germline): Uncertain significance. Review status: criteria provided, multiple submitters, no conflicts (2 of 4 stars). 3 submissions from 3 submitters: Uncertain significance (3). Last evaluated 2025-07-14.

Conditions:
Chédiak-Higashi syndrome (CHS). Also called: Chediak-Higashi Syndrome. Identifiers: Orphanet 167, MedGen C0007965, MONDO:0008963, OMIM 214500.
Inborn genetic diseases. Identifiers: MedGen C0950123, MeSH D030342.

Allele frequency attached by ClinVar (database versions not stated): gnomAD 0.00001; TOPMed 0.00003.
gnomAD v4.1: 1 of 1,612,948 alleles (0.000062%); highest among the groups gnomAD compares: Admixed American, 0.0017%; no homozygotes.

Submissions (3):

GeneDx
Classification: Uncertain significance. Last evaluated: 2025-07-14. Review status: criteria provided, single submitter. Criteria: GeneDx Variant Classification Process June 2021. Collection method: clinical testing. Allele origin: germline. Affected: yes.
Comment: Not observed at significant frequency in large population cohorts (gnomAD); In silico analysis suggests that this missense variant does not alter protein structure/function; Has not been previously published as pathogenic or benign to our knowledge

Ambry Genetics
Classification: Uncertain significance for Inborn genetic diseases. Last evaluated: 2025-02-22. Review status: criteria provided, single submitter. Criteria: Ambry Variant Classification Scheme 2023. Collection method: clinical testing. Allele origin: germline.

Labcorp Genetics (formerly Invitae), Labcorp
Classification: Uncertain significance for Chédiak-Higashi syndrome. Last evaluated: 2022-05-06. Review status: criteria provided, single submitter. Criteria: Invitae Variant Classification Sherloc (09022015). Collection method: clinical testing. Allele origin: germline.
Comment: This sequence change replaces glutamine, which is neutral and polar, with arginine, which is basic and polar, at codon 727 of the LYST protein (p.Gln727Arg). This variant is not present in population databases (gnomAD no frequency). This variant has not been reported in the literature in individuals affected with LYST-related conditions. Algorithms developed to predict the effect of missense changes on protein structure and function output the following: SIFT: "Tolerated"; PolyPhen-2: "Benign"; Align-GVGD: "Class C0". The arginine amino acid residue is found in multiple mammalian species, which suggests that this missense change does not adversely affect protein function. In summary, the available evidence is currently insufficient to determine the role of this variant in disease. Therefore, it has been classified as a Variant of Uncertain Significance.

NM_000081.4(LYST):c.2180A>G (p.Gln727Arg)

Gene: LYST (lysosomal trafficking regulator; minus strand). Cytogenetic location: 1q42.3.
Variant type: single nucleotide variant.
Coding change: c.2180A>G on transcript NM_000081.4 (MANE Select); coding-DNA position 2180, A replaced by G.
Protein change: p.Gln727Arg; replaces glutamine 727 with arginine.
Molecular consequence: missense variant.
Genome position (GRCh38, 1-based): chr1:235,808,638, T>C on the plus strand (A>G on the coding strand, the complement: LYST is on the minus strand). VCF-style: chr1-235808638-T-C. GRCh37 (hg19) VCF-style: chr1-235971938-T-C.
Other names: c.2180A>G, p.Gln727Arg (NM_001301365.1); c.2180A>G (NM_000081.2); short protein forms Q727R.
Identifiers: ClinVar variation 2073142 (VCV002073142.3), dbSNP rs1292690011, ClinGen allele CA344958911.